The following is an entry in ClinVar:

ClinVar aggregate classification (germline): Uncertain significance. Review status: criteria provided, multiple submitters, no conflicts (2 of 4 stars). 2 submissions from 2 submitters: Uncertain significance (2). Last evaluated 2024-05-06.

Allele frequency attached by ClinVar (database versions not stated): TOPMed below 0.00001; gnomAD 0.00003; gnomAD exomes 0.00009 and 0.00021; ExAC 0.00021; 1000 Genomes Project 30x 0.00031; 1000 Genomes Project 0.00040.
gnomAD v4.1: 135 of 1,614,226 alleles (0.0084%); highest among the groups gnomAD compares: South Asian, 0.15%; no homozygotes.

Submissions (2):

Ambry Genetics
Classification: Uncertain significance. Last evaluated: 2024-05-06. Review status: criteria provided, single submitter. Criteria: Ambry Variant Classification Scheme 2023. Collection method: clinical testing. Allele origin: germline.

Labcorp Genetics (formerly Invitae), Labcorp
Classification: Uncertain significance. Last evaluated: 2021-04-24. Review status: criteria provided, single submitter. Criteria: Invitae Variant Classification Sherloc (09022015). Collection method: clinical testing. Allele origin: germline.
Comment: This sequence change replaces glycine with aspartic acid at codon 773 of the PTPRJ protein (p.Gly773Asp). The glycine residue is moderately conserved and there is a moderate physicochemical difference between glycine and aspartic acid. This variant is present in population databases (rs529042781, ExAC 0.2%). This variant has not been reported in the literature in individuals with PTPRJ-related conditions. Algorithms developed to predict the effect of missense changes on protein structure and function output the following: SIFT: "Tolerated"; PolyPhen-2: "Benign"; Align-GVGD: "Class C0". The aspartic acid amino acid residue is found in multiple mammalian species, suggesting that this missense change does not adversely affect protein function. These predictions have not been confirmed by published functional studies and their clinical significance is uncertain. In summary, the available evidence is currently insufficient to determine the role of this variant in disease. Therefore, it has been classified as a Variant of Uncertain Significance.

NM_002843.4(PTPRJ):c.2318G>A (p.Gly773Asp)

Gene: PTPRJ (protein tyrosine phosphatase receptor type J; plus strand). Cytogenetic location: 11p11.2.
Variant type: single nucleotide variant.
Coding change: c.2318G>A on transcript NM_002843.4 (MANE Select); coding-DNA position 2318, G replaced by A.
Protein change: p.Gly773Asp; replaces glycine 773 with aspartic acid.
Molecular consequence: missense variant.
Genome position (GRCh38, 1-based): chr11:48,139,651, G>A. VCF-style: chr11-48139651-G-A. GRCh37 (hg19) VCF-style: chr11-48161203-G-A.
Other names: c.2318G>A (NM_002843.3); short protein forms G773D.
Identifiers: ClinVar variation 1474147 (VCV001474147.7), dbSNP rs529042781, ClinGen allele CA5982406.
Genomic context (GRCh38, chr11:48,139,651, plus strand): 5'-AGGTCAGCAGTGGAGCCTGGAACAATGCGACCCACCTGGAGAGCTGCTCCTCTGAGAATG[G>A]CACTGAGTATAGAACGGAAGTCACGTATTTGAATTTTTCTACCTCGTACAACATCAGCAT-3'
Protein context (NP_002834.3, residues 763-783): THLESCSSEN[Gly773Asp]TEYRTEVTYL